The following is an entry in ClinVar:

ClinVar aggregate classification (germline): Uncertain significance (1 of 4 stars; one submission).

Conditions:
Duchenne muscular dystrophy (DMD). Also called: MUSCULAR DYSTROPHY, PSEUDOHYPERTROPHIC PROGRESSIVE, DUCHENNE TYPE; Duchenne Muscular Dystrophy (DMD). Identifiers: Orphanet 98896, MedGen C0013264, MONDO:0010679, OMIM 310200.

Submission:

Labcorp Genetics (formerly Invitae), Labcorp
Classification: Uncertain significance for Duchenne muscular dystrophy. Last evaluated: 2022-03-14. Review status: criteria provided, single submitter. Criteria: Invitae Variant Classification Sherloc (09022015). Collection method: clinical testing. Allele origin: germline.
Comment: In summary, the available evidence is currently insufficient to determine the role of this variant in disease. Therefore, it has been classified as a Variant of Uncertain Significance. This sequence change replaces leucine, which is neutral and non-polar, with valine, which is neutral and non-polar, at codon 3401 of the DMD protein (p.Leu3401Val). This variant is not present in population databases (gnomAD no frequency). This variant has not been reported in the literature in individuals affected with DMD-related conditions. Algorithms developed to predict the effect of missense changes on protein structure and function (SIFT, PolyPhen-2, Align-GVGD) all suggest that this variant is likely to be disruptive.

NM_004006.3(DMD):c.10201T>G (p.Leu3401Val)

Gene: DMD (dystrophin; minus strand). Cytogenetic location: Xp21.2.
Variant type: single nucleotide variant.
Coding change: c.10201T>G on transcript NM_004006.3 (MANE Select); coding-DNA position 10201, T replaced by G.
Protein change: p.Leu3401Val; replaces leucine 3401 with valine.
Molecular consequence: missense variant.
Genome position (GRCh38, 1-based): chrX:31,178,691, A>C on the plus strand (T>G on the coding strand, the complement: DMD is on the minus strand). VCF-style: chrX-31178691-A-C. GRCh37 (hg19) VCF-style: chrX-31196808-A-C.
Other names: c.10177T>G, p.Leu3393Val (NM_000109.4); c.10189T>G, p.Leu3397Val (NM_004009.3); c.9832T>G, p.Leu3278Val (NM_004010.3); c.6178T>G, p.Leu2060Val (NM_004011.4); c.6169T>G, p.Leu2057Val (NM_004012.4); c.2821T>G, p.Leu941Val (NM_004013.3, NM_004020.4, NM_004021.3 and 2 more transcripts); c.2014T>G, p.Leu672Val (NM_004014.3); c.997T>G, p.Leu333Val (NM_004015.3, NM_004016.3, NM_004017.3 and 2 more transcripts); short protein forms L2060V, L672V, L2057V, L941V, L333V, L3397V, L3278V, L3393V.
Identifiers: ClinVar variation 2050856 (VCV002050856.4), dbSNP rs2519936281, ClinGen allele CA412652720.